The following is an entry in ClinVar:

NM_001134831.2(AHI1):c.*28G>C

Gene: AHI1 (Abelson helper integration site 1; minus strand). Cytogenetic location: 6q23.3.
Variant type: single nucleotide variant.
Coding change: c.*28G>C on transcript NM_001134831.2 (MANE Select); 28 bases downstream of the stop codon, G replaced by C.
Molecular consequence: 3 prime UTR variant.
Genome position (GRCh38, 1-based): chr6:135,285,617, C>G on the plus strand (G>C on the coding strand, the complement: AHI1 is on the minus strand). VCF-style: chr6-135285617-C-G. GRCh37 (hg19) VCF-style: chr6-135606755-C-G.
Other names: c.*28G>C (NM_001134830.2, NM_001350503.2, NM_017651.5); c.*9G>C (NM_001350504.2).
Identifiers: ClinVar variation 260835 (VCV000260835.8), dbSNP rs9494209, ClinGen allele CA4011928.

ClinVar aggregate classification (germline): Benign. Review status: criteria provided, multiple submitters, no conflicts (2 of 4 stars). 3 submissions from 3 submitters: Benign (3). Last evaluated 2018-06-16.

Conditions:
Joubert syndrome 3 (JBTS3). Also called: AHI1-related Ciliopathy. Identifiers: Orphanet 220493, MedGen C1837713, MONDO:0012078, OMIM 608629.

Allele frequency attached by ClinVar (database versions not stated): 1000 Genomes Project 0.13438; TOPMed 0.12526; ESP Exome Variant Server 0.11398; 1000 Genomes Project 30x 0.13819.
gnomAD v4.1: 120,420 of 1,602,404 alleles (7.5%); highest among the groups gnomAD compares: African/African-American, 25%; 6,223 homozygotes.

Submissions (3):

GeneDx
Classification: Benign. Last evaluated: 2018-06-16. Review status: criteria provided, single submitter. Criteria: GeneDx Variant Classification Process June 2021. Collection method: clinical testing. Allele origin: germline. Affected: yes.

Illumina Laboratory Services, Illumina
Classification: Benign for Joubert syndrome 3. Last evaluated: 2018-01-13. Review status: criteria provided, single submitter. Criteria: ICSL Variant Classification Criteria 13 December 2019. Collection method: clinical testing. Allele origin: germline.
Comment: This variant was observed in the ICSL laboratory as part of a predisposition screen in an ostensibly healthy population. It had not been previously curated by ICSL or reported in the Human Gene Mutation Database (HGMD: prior to June 1st, 2018), and was therefore a candidate for classification through an automated scoring system. Utilizing variant allele frequency, disease prevalence and penetrance estimates, and inheritance mode, an automated score was calculated to assess if this variant is too frequent to cause the disease. Based on the score and internal cut-off values, a variant classified as benign is not then subjected to further curation. The score for this variant resulted in a classification of benign for this disease.

PreventionGenetics, part of Exact Sciences
Classification: Benign. Review status: criteria provided, single submitter. Criteria: ACMG Guidelines, 2015. Collection method: clinical testing. Allele origin: germline.